The following is an entry in ClinVar:

ClinVar aggregate classification (germline): Uncertain significance (1 of 4 stars; one submission).

Conditions:
Schuurs-Hoeijmakers syndrome. Also called: PACS1-Related Neurodevelopmental Disorder. Identifiers: Orphanet 329224, MedGen C3554343, MONDO:0014006, OMIM 615009.

Submission:

Labcorp Genetics (formerly Invitae), Labcorp
Classification: Uncertain significance for Schuurs-Hoeijmakers syndrome. Last evaluated: 2026-01-19. Review status: criteria provided, single submitter. Criteria: Invitae Variant Classification Sherloc (09022015). Collection method: clinical testing. Allele origin: germline.
Comment: This sequence change creates a premature translational stop signal (p.Asp818Glyfs*47) in the PACS1 gene. It is expected to result in an absent or disrupted protein product. However, the current clinical and genetic evidence is not sufficient to establish whether loss-of-function variants in PACS1 cause disease. This variant is not present in population databases (gnomAD no frequency). This variant has not been reported in the literature in individuals affected with PACS1-related conditions. In summary, the available evidence is currently insufficient to determine the role of this variant in disease. Therefore, it has been classified as a Variant of Uncertain Significance.

NM_018026.4(PACS1):c.2452dup (p.Asp818fs)

Gene: PACS1 (phosphofurin acidic cluster sorting protein 1; plus strand). Cytogenetic location: 11q13.2.
Variant type: Duplication.
Coding change: c.2452dup on transcript NM_018026.4 (MANE Select); coding-DNA position 2452, one base duplicated (G; older notation c.2452dupG).
Protein change: p.Asp818fs; shifts the reading frame from aspartic acid 818.
Molecular consequence: frameshift variant.
Genome position (GRCh38, 1-based): chr11:66,241,449, G duplicated; the last of 4 consecutive G bases (chr11:66,241,446-66,241,449); duplicating any one gives the same sequence. VCF-style (leftmost placement, unchanged base first): chr11-66241445-T-TG. GRCh37 (hg19) VCF-style: chr11-66008916-T-TG.
Other names: short protein forms D818fs.
Identifiers: ClinVar variation 4711136 (VCV004711136.1).
Genomic context (GRCh38, chr11:66,241,445, plus strand): 5'-TGAAGGCAGAGCTGACCTCTCCTCTTTGTTCCCTTTCCTCAGGAGCCCTAATAGCCCATA[T>TG]GGGGACGTGATTGGCCTCCAGGTGGACTACTGGCTGGGCCACCCCGGGGAGCGGAGGAGG-3'